The following is an entry in ClinVar:

ClinVar aggregate classification (germline): Uncertain significance. Review status: criteria provided, multiple submitters, no conflicts (2 of 4 stars). 2 submissions from 2 submitters: Uncertain significance (2). Last evaluated 2025-04-13.

Conditions:
Glutamate formiminotransferase deficiency. Also called: Formiminoglutamic aciduria; Arakawa syndrome 1. Identifiers: Orphanet 51208, MedGen C0268609, MONDO:0009240, OMIM 229100.
Inborn genetic diseases. Identifiers: MedGen C0950123, MeSH D030342.

gnomAD v4.1: 7 of 1,546,328 alleles (0.00045%); highest among the groups gnomAD compares: Admixed American, 0.002%; no homozygotes.

Submissions (2):

Ambry Genetics
Classification: Uncertain significance for Inborn genetic diseases. Last evaluated: 2025-04-13. Review status: criteria provided, single submitter. Criteria: Ambry Variant Classification Scheme 2023. Collection method: clinical testing. Allele origin: germline.

Labcorp Genetics (formerly Invitae), Labcorp
Classification: Uncertain significance for Glutamate formiminotransferase deficiency. Last evaluated: 2023-10-29. Review status: criteria provided, single submitter. Criteria: Invitae Variant Classification Sherloc (09022015). Collection method: clinical testing. Allele origin: germline.
Comment: This sequence change replaces glycine, which is neutral and non-polar, with arginine, which is basic and polar, at codon 380 of the FTCD protein (p.Gly380Arg). The frequency data for this variant in the population databases is considered unreliable, as metrics indicate poor data quality at this position in the gnomAD database. This variant has not been reported in the literature in individuals affected with FTCD-related conditions. Advanced modeling of protein sequence and biophysical properties (such as structural, functional, and spatial information, amino acid conservation, physicochemical variation, residue mobility, and thermodynamic stability) performed at Invitae indicates that this missense variant is expected to disrupt FTCD protein function with a positive predictive value of 80%. In summary, the available evidence is currently insufficient to determine the role of this variant in disease. Therefore, it has been classified as a Variant of Uncertain Significance.

NM_206965.2(FTCD):c.1138G>A (p.Gly380Arg)

Gene: FTCD (formimidoyltransferase cyclodeaminase; minus strand). Cytogenetic location: 21q22.3.
Variant type: single nucleotide variant.
Coding change: c.1138G>A on transcript NM_206965.2 (MANE Select); coding-DNA position 1138, G replaced by A.
Protein change: p.Gly380Arg; replaces glycine 380 with arginine.
Molecular consequence: missense variant.
Genome position (GRCh38, 1-based): chr21:46,145,539, C>T on the plus strand (G>A on the coding strand, the complement: FTCD is on the minus strand). VCF-style: chr21-46145539-C-T. GRCh37 (hg19) VCF-style: chr21-47565453-C-T.
Other names: c.1138G>A, p.Gly380Arg (NM_001320412.2, NM_006657.3); c.1138G>A (NM_006657.2); short protein forms G380R.
Identifiers: ClinVar variation 3010510 (VCV003010510.4), dbSNP rs766121604, ClinGen allele CA410512878.